The following is an entry in ClinVar:

ClinVar aggregate classification (germline): Uncertain significance (1 of 4 stars; one submission).

Submission:

Labcorp Genetics (formerly Invitae), Labcorp
Classification: Uncertain significance. Last evaluated: 2025-06-22. Review status: criteria provided, single submitter. Criteria: Invitae Variant Classification Sherloc (09022015). Collection method: clinical testing. Allele origin: germline.
Comment: This sequence change replaces threonine, which is neutral and polar, with alanine, which is neutral and non-polar, at codon 426 of the MYLK3 protein (p.Thr426Ala). This variant is not present in population databases (gnomAD no frequency). This variant has not been reported in the literature in individuals affected with MYLK3-related conditions. An algorithm developed to predict the effect of missense changes on protein structure and function outputs the following: PolyPhen-2: "Benign". The alanine amino acid residue is found in multiple mammalian species, which suggests that this missense change does not adversely affect protein function. In summary, the available evidence is currently insufficient to determine the role of this variant in disease. Therefore, it has been classified as a Variant of Uncertain Significance.

NM_182493.3(MYLK3):c.1276A>G (p.Thr426Ala)

Gene: MYLK3 (myosin light chain kinase 3; minus strand). Cytogenetic location: 16q11.2.
Variant type: single nucleotide variant.
Coding change: c.1276A>G on transcript NM_182493.3 (MANE Select); coding-DNA position 1276, A replaced by G.
Protein change: p.Thr426Ala; replaces threonine 426 with alanine.
Molecular consequence: missense variant.
Genome position (GRCh38, 1-based): chr16:46,732,394, T>C on the plus strand (A>G on the coding strand, the complement: MYLK3 is on the minus strand). VCF-style: chr16-46732394-T-C. GRCh37 (hg19) VCF-style: chr16-46766306-T-C.
Other names: c.253A>G, p.Thr85Ala (NM_001308301.1); short protein forms T426A, T85A.
Identifiers: ClinVar variation 4721822 (VCV004721822.1).